The following is an entry in ClinVar:

ClinVar aggregate classification (germline): Likely benign. Review status: criteria provided, single submitter (1 of 4 stars). 2 submissions from 2 submitters: Likely benign (1). 1 of the submissions does not count toward it. Last evaluated 2025-10-27.

Conditions:
IRF4-related disorder. Also called: IRF4-related condition.

Allele frequency attached by ClinVar (database versions not stated): ExAC 0.00002; gnomAD 0.00001.

Submissions (2):

Labcorp Genetics (formerly Invitae), Labcorp
Classification: Likely benign. Last evaluated: 2025-10-27. Review status: criteria provided, single submitter. Criteria: Invitae Variant Classification Sherloc (09022015). Collection method: clinical testing. Allele origin: germline.

PreventionGenetics, part of Exact Sciences
Classification: Uncertain significance for IRF4-related condition. Last evaluated: 2024-01-31. Review status: no assertion criteria provided. Collection method: clinical testing. Allele origin: germline. Not counted in ClinVar's aggregate classification.
Comment: The IRF4 c.602G>A variant is predicted to result in the amino acid substitution p.Arg201His. To our knowledge, this variant has not been reported in the literature. This variant is reported in 0.0058% of alleles in individuals of Latino descent in gnomAD. At this time, the clinical significance of this variant is uncertain due to the absence of conclusive functional and genetic evidence.

NM_002460.4(IRF4):c.602G>A (p.Arg201His)

Gene: IRF4 (interferon regulatory factor 4; plus strand). Cytogenetic location: 6p25.3.
Variant type: single nucleotide variant.
Coding change: c.602G>A on transcript NM_002460.4 (MANE Select); coding-DNA position 602, G replaced by A.
Protein change: p.Arg201His; replaces arginine 201 with histidine.
Molecular consequence: missense variant. On other transcripts: non-coding transcript variant (1).
Genome position (GRCh38, 1-based): chr6:397,217, G>A. VCF-style: chr6-397217-G-A. GRCh37 (hg19) VCF-style: chr6-397217-G-A.
Other names: c.599G>A, p.Arg200His (NM_001195286.2); short protein forms R200H, R201H.
Identifiers: ClinVar variation 3030828 (VCV003030828.4), dbSNP rs753427028, ClinGen allele CA3612747.